The following is an entry in ClinVar:

NM_001365276.2(TNXB):c.9514_9516delinsCTA (p.Leu3172=)

Gene: TNXB (tenascin XB; minus strand). Cytogenetic location: 6p21.33.
Variant type: Indel.
Coding change: c.9514_9516delinsCTA on transcript NM_001365276.2 (MANE Select); coding-DNA positions 9514 to 9516, TTG replaced by CTA.
Protein change: p.Leu3172=; no amino-acid change (leucine 3172 retained).
Molecular consequence: synonymous variant.
Genome position (GRCh38, 1-based): chr6:32,049,511-32,049,513, CAA replaced by TAG on the plus strand (TTG replaced by CTA on the coding strand, the reverse complement: TNXB is on the minus strand). VCF-style: chr6-32049511-CAA-TAG. GRCh37 (hg19) VCF-style: chr6-32017288-CAA-TAG.
Other names: p.Leu3170=; c.10255_10257delinsCTA, p.Leu3419= (NM_001428335.1); c.9508_9510delinsCTA, p.Leu3170= (NM_019105.8).
Identifiers: ClinVar variation 4684953 (VCV004684953.1).

ClinVar aggregate classification (germline): Likely benign (1 of 4 stars; one submission).

Submission:

Mayo Clinic Laboratories, Mayo Clinic
Classification: Likely benign. Last evaluated: 2025-08-08. Review status: criteria provided, single submitter. Criteria: ACMG Guidelines, 2015. Collection method: clinical testing. Allele origin: germline. Observed: 1 variant allele.
Comment: BP4, BP7, PM2_supporting